The following is an entry in ClinVar:

ClinVar aggregate classification (germline): Uncertain significance. Review status: criteria provided, multiple submitters, no conflicts (2 of 4 stars). 4 submissions from 4 submitters: Uncertain significance (4). Last evaluated 2026-04-07.

Conditions:
XYLT2-related disorder. Also called: XYLT2-related condition.
Inborn genetic diseases. Identifiers: MedGen C0950123, MeSH D030342.

Allele frequency attached by ClinVar (database versions not stated): gnomAD 0.00011 and 0.00014; gnomAD exomes 0.00017.

Submissions (4):

PreventionGenetics, part of Exact Sciences
Classification: Uncertain significance for XYLT2-related condition. Last evaluated: 2026-04-07. Review status: criteria provided, single submitter. Criteria: ACMG Guidelines, 2015. Collection method: clinical testing. Allele origin: germline.
Comment: The XYLT2 c.34C>T variant is predicted to result in the amino acid substitution p.Arg12Trp. To our knowledge, this variant has not been reported in the literature. This variant is reported in 0.037% of alleles in individuals of European (Non-Finnish) descent in gnomAD. At this time, the clinical significance of this variant is uncertain due to the absence of conclusive functional and genetic evidence.

Ambry Genetics
Classification: Uncertain significance for Inborn genetic diseases. Last evaluated: 2025-10-24. Review status: criteria provided, single submitter. Criteria: Ambry Variant Classification Scheme 2023. Collection method: clinical testing. Allele origin: germline.

Labcorp Genetics (formerly Invitae), Labcorp
Classification: Uncertain significance. Last evaluated: 2021-11-30. Review status: criteria provided, single submitter. Criteria: Invitae Variant Classification Sherloc (09022015). Collection method: clinical testing. Allele origin: germline.
Comment: This sequence change replaces arginine, which is basic and polar, with tryptophan, which is neutral and slightly polar, at codon 12 of the XYLT2 protein (p.Arg12Trp). The frequency data for this variant in the population databases is considered unreliable, as metrics indicate poor data quality at this position in the gnomAD database. This variant has not been reported in the literature in individuals affected with XYLT2-related conditions. Algorithms developed to predict the effect of missense changes on protein structure and function are either unavailable or do not agree on the potential impact of this missense change (SIFT: "Deleterious"; PolyPhen-2: "Probably Damaging"; Align-GVGD: "Class C0"). In summary, the available evidence is currently insufficient to determine the role of this variant in disease. Therefore, it has been classified as a Variant of Uncertain Significance.

Breakthrough Genomics
Classification: Uncertain significance. Review status: criteria provided, single submitter. Criteria: ACMG Guidelines, 2015. Collection method: not provided. Allele origin: germline. Inheritance: Autosomal recessive inheritance. Affected: yes.

NM_022167.4(XYLT2):c.34C>T (p.Arg12Trp)

Genes: XYLT2 (xylosyltransferase 2; plus strand), LOC130061160 (ATAC-STARR-seq lymphoblastoid silent region 8695; plus strand). Cytogenetic location: 17q21.33.
Variant type: single nucleotide variant.
Coding change: c.34C>T on transcript NM_022167.4 (MANE Select); coding-DNA position 34, C replaced by T.
Protein change: p.Arg12Trp; replaces arginine 12 with tryptophan.
Molecular consequence: missense variant.
Genome position (GRCh38, 1-based): chr17:50,346,174, C>T. VCF-style: chr17-50346174-C-T. GRCh37 (hg19) VCF-style: chr17-48423535-C-T.
Other names: c.34C>T (NM_022167.3); short protein forms R12W.
Identifiers: ClinVar variation 1490020 (VCV001490020.9), dbSNP rs950735137, ClinGen allele CA291571960.